The following is an entry in ClinVar:

ClinVar aggregate classification (germline): Pathogenic (1 of 4 stars; one submission).

Conditions:
Duchenne muscular dystrophy (DMD). Also called: MUSCULAR DYSTROPHY, PSEUDOHYPERTROPHIC PROGRESSIVE, DUCHENNE TYPE; Duchenne Muscular Dystrophy (DMD). Identifiers: Orphanet 98896, MedGen C0013264, MONDO:0010679, OMIM 310200.

Submission:

Labcorp Genetics (formerly Invitae), Labcorp
Classification: Pathogenic for Duchenne muscular dystrophy. Last evaluated: 2022-01-28. Review status: criteria provided, single submitter. Criteria: Invitae Variant Classification Sherloc (09022015). Collection method: clinical testing. Allele origin: germline.
Comment: This sequence change creates a premature translational stop signal (p.Ser987Valfs*17) in the DMD gene. It is expected to result in an absent or disrupted protein product. Loss-of-function variants in DMD are known to be pathogenic (PMID: 16770791, 25007885). For these reasons, this variant has been classified as Pathogenic. This variant has not been reported in the literature in individuals affected with DMD-related conditions. This variant is not present in population databases (gnomAD no frequency).

Literature cited by the submitters: PubMed 16770791; PubMed 25007885.

NM_004006.3(DMD):c.2959del (p.Ser987fs)

Gene: DMD (dystrophin; minus strand). Cytogenetic location: Xp21.1.
Variant type: Deletion.
Coding change: c.2959del on transcript NM_004006.3 (MANE Select); coding-DNA position 2959, one base deleted (A; older notation c.2959delA).
Protein change: p.Ser987fs; shifts the reading frame from serine 987.
Molecular consequence: frameshift variant.
Genome position (GRCh38, 1-based): chrX:32,468,701, T deleted on the plus strand (A on the coding strand, the reverse complement: DMD is on the minus strand); the first of 3 consecutive T bases (chrX:32,468,701-32,468,703); deleting any one gives the same sequence. VCF-style (leftmost placement, unchanged base first): chrX-32468700-CT-C. GRCh37 (hg19) VCF-style: chrX-32486817-CT-C.
Other names: c.2935del, p.Ser979fs (NM_000109.4); c.2947del, p.Ser983fs (NM_004009.3); c.2590del, p.Ser864fs (NM_004010.3); short protein forms S864fs, S987fs, S979fs, S983fs.
Identifiers: ClinVar variation 2090880 (VCV002090880.4), dbSNP rs2524617089, ClinGen allele CA2580100764.